The following is an entry in ClinVar:

ClinVar aggregate classification (germline): Likely benign. Review status: criteria provided, single submitter (1 of 4 stars). 2 submissions from 2 submitters: Likely benign (1). 1 of the submissions does not count toward it. Last evaluated 2024-11-26.

Conditions:
BBS9-related disorder. Also called: BBS9-related condition.

Allele frequency attached by ClinVar (database versions not stated): 1000 Genomes Project 30x 0.00734; 1000 Genomes Project 0.00779.

Submissions (2):

Blueprint Genetics
Classification: Likely benign. Last evaluated: 2024-11-26. Review status: criteria provided, single submitter. Criteria: ACMG Guidelines, 2015. Collection method: clinical testing. Allele origin: germline.

PreventionGenetics, part of Exact Sciences
Classification: Benign for BBS9-related condition. Last evaluated: 2019-03-08. Review status: no assertion criteria provided. Collection method: clinical testing. Allele origin: germline. Not counted in ClinVar's aggregate classification.
Comment: This variant is classified as benign based on ACMG/AMP sequence variant interpretation guidelines (Richards et al. 2015 PMID: 25741868, with internal and published modifications).

NC_000007.14:g.33635274G>A

Gene: BBS9 (Bardet-Biedl syndrome 9; plus strand). Cytogenetic location: 7p14.3.
Variant type: single nucleotide variant.
Molecular consequence: 3 prime UTR variant (on NM_001348041.4).
Genome position: GRCh38 VCF-style: chr7-33635274-G-A. GRCh37 (hg19) VCF-style: chr7-33674886-G-A.
Other names: c.*3G>A (NM_001348041.4, NM_001362679.1).
Identifiers: ClinVar variation 3059757 (VCV003059757.3), dbSNP rs112570572, ClinGen allele CA156759696.